The following is an entry in ClinVar:

NM_001267550.2(TTN):c.73229C>T (p.Pro24410Leu)

Genes: TTN (titin; minus strand), TTN-AS1 (TTN antisense RNA 1; plus strand). Cytogenetic location: 2q31.2.
Variant type: single nucleotide variant.
Coding change: c.73229C>T on transcript NM_001267550.2 (MANE Select); coding-DNA position 73229, C replaced by T.
Protein change: p.Pro24410Leu; replaces proline 24410 with leucine.
Molecular consequence: missense variant.
Genome position (GRCh38, 1-based): chr2:178,572,903, G>A on the plus strand (C>T on the coding strand, the complement: TTN is on the minus strand). VCF-style: chr2-178572903-G-A. GRCh37 (hg19) VCF-style: chr2-179437630-G-A.
Other names: c.68306C>T, p.Pro22769Leu (NM_001256850.1); c.46034C>T, p.Pro15345Leu (NM_003319.4); c.65525C>T, p.Pro21842Leu (NM_133378.4); c.46409C>T, p.Pro15470Leu (NM_133432.3); c.46610C>T, p.Pro15537Leu (NM_133437.4); short protein forms P15470L, P15537L, P21842L, P22769L, P15345L, P24410L.
Identifiers: ClinVar variation 681520 (VCV000681520.1), dbSNP rs368510432, ClinGen allele CA60999341.

ClinVar aggregate classification (germline): Likely benign (1 of 4 stars; one submission).

Allele frequency attached by ClinVar (database versions not stated): gnomAD exomes below 0.00001; gnomAD 0.00001; TOPMed 0.00001; ESP Exome Variant Server 0.00008.
gnomAD v4.1: 2 of 1,613,270 alleles (0.00012%); highest among the groups gnomAD compares: Non-Finnish European, 0.00017%; no homozygotes.

Submission:

GeneDx
Classification: Likely benign. Last evaluated: 2018-04-09. Review status: criteria provided, single submitter. Criteria: GeneDx Variant Classification (06012015). Collection method: clinical testing. Allele origin: germline. Affected: yes.
Comment: This variant is considered likely benign or benign based on one or more of the following criteria: it is a conservative change, it occurs at a poorly conserved position in the protein, it is predicted to be benign by multiple in silico algorithms, and/or has population frequency not consistent with disease.